The following is an entry in ClinVar:

NM_024598.4(USB1):c.106A>G (p.Ser36Gly)

Gene: USB1 (U6 snRNA biogenesis phosphodiesterase 1; plus strand). Cytogenetic location: 16q21.
Variant type: single nucleotide variant.
Coding change: c.106A>G on transcript NM_024598.4 (MANE Select); coding-DNA position 106, A replaced by G.
Protein change: p.Ser36Gly; replaces serine 36 with glycine.
Molecular consequence: missense variant. On other transcripts: 5 prime UTR variant (1).
Genome position (GRCh38, 1-based): chr16:58,002,486, A>G. VCF-style: chr16-58002486-A-G. GRCh37 (hg19) VCF-style: chr16-58036390-A-G.
Other names: c.106A>G, p.Ser36Gly (NM_001195302.2, NM_001204911.2, NM_001330569.2); c.-48A>G (NM_001330568.2); c.106A>G (NM_024598.3); short protein forms S36G.
Identifiers: ClinVar variation 1042077 (VCV001042077.8), dbSNP rs138405924, ClinGen allele CA8084807.
Genomic context (GRCh38, chr16:58,002,486, plus strand): 5'-GTAGAGAATGCTAACAGGATAAATGTACTCATTTTTCTTTTTTTCTTTTGCAGTGGCCAG[A>G]GCCCCCTTCCCAGGCAGAGATTTCCAGTACCTGACAGTGTGCTGAACATGTTCCCGGGCA-3'
Protein context (NP_078874.2, residues 26-46): PGDGSHRRGQ[Ser36Gly]PLPRQRFPVP

ClinVar aggregate classification (germline): Uncertain significance. Review status: criteria provided, multiple submitters, no conflicts (2 of 4 stars). 3 submissions from 3 submitters: Uncertain significance (2). 1 of the submissions does not count toward it. Last evaluated 2024-08-20.

Conditions:
Inborn genetic diseases. Identifiers: MedGen C0950123, MeSH D030342.

Allele frequency attached by ClinVar (database versions not stated): ExAC 0.00015; gnomAD exomes 0.00015 and 0.00045; TOPMed 0.00023; gnomAD 0.00025 and 0.00026; ESP Exome Variant Server 0.00077.
gnomAD v4.1: 708 of 1,613,892 alleles (0.044%); highest among the groups gnomAD compares: Non-Finnish European, 0.055%; no homozygotes.

Submissions (3):

Ambry Genetics
Classification: Uncertain significance for Inborn genetic diseases. Last evaluated: 2024-08-20. Review status: criteria provided, single submitter. Criteria: Ambry Variant Classification Scheme 2023. Collection method: clinical testing. Allele origin: germline.

Labcorp Genetics (formerly Invitae), Labcorp
Classification: Uncertain significance. Last evaluated: 2024-01-11. Review status: criteria provided, single submitter. Criteria: Invitae Variant Classification Sherloc (09022015). Collection method: clinical testing. Allele origin: germline.
Comment: This sequence change replaces serine, which is neutral and polar, with glycine, which is neutral and non-polar, at codon 36 of the USB1 protein (p.Ser36Gly). This variant is present in population databases (rs138405924, gnomAD 0.03%). This variant has not been reported in the literature in individuals affected with USB1-related conditions. ClinVar contains an entry for this variant (Variation ID: 1042077). Advanced modeling of protein sequence and biophysical properties (such as structural, functional, and spatial information, amino acid conservation, physicochemical variation, residue mobility, and thermodynamic stability) performed at Invitae indicates that this missense variant is not expected to disrupt USB1 protein function with a negative predictive value of 80%. In summary, the available evidence is currently insufficient to determine the role of this variant in disease. Therefore, it has been classified as a Variant of Uncertain Significance.

Genetic Services Laboratory, University of Chicago
Classification: Uncertain significance. Last evaluated: 2022-12-06. Review status: no assertion criteria provided. Collection method: clinical testing. Allele origin: germline. Affected: no. Not counted in ClinVar's aggregate classification.
Comment: DNA sequence analysis of the USB1 gene demonstrated a sequence change, c.106A>G, in exon 2 that results in an amino acid change, p.Ser36Gly. This sequence change does not appear to have been previously described in individuals with USB1-related disorders. OR This sequence change has been described in the gnomAD database with a frequency of 0.03% in the European subpopulation (dbSNP rs138405924). The p.Ser36Gly change affects a poorly conserved amino acid residue located in a domain of the USB1 protein that is known to be functional. The p.Ser36Gly substitution appears to be benign using several in-silico pathogenicity prediction tools (SIFT, PolyPhen2, Align GVGD, REVEL). Due to insufficient evidences and the lack of functional studies, the clinical significance of the p.Ser36Gly change remains unknown at this time.